The following is an entry in ClinVar:

NM_001267550.2(TTN):c.51649G>A (p.Glu17217Lys)

Genes: TTN (titin; minus strand), TTN-AS1 (TTN antisense RNA 1; plus strand). Cytogenetic location: 2q31.2.
Variant type: single nucleotide variant.
Coding change: c.51649G>A on transcript NM_001267550.2 (MANE Select); coding-DNA position 51649, G replaced by A.
Protein change: p.Glu17217Lys; replaces glutamic acid 17217 with lysine.
Molecular consequence: missense variant.
Genome position (GRCh38, 1-based): chr2:178,609,774, C>T on the plus strand (G>A on the coding strand, the complement: TTN is on the minus strand). VCF-style: chr2-178609774-C-T. GRCh37 (hg19) VCF-style: chr2-179474501-C-T.
Other names: c.51649G>A (NM_001267550.1); c.46726G>A, p.Glu15576Lys (NM_001256850.1); c.24454G>A, p.Glu8152Lys (NM_003319.4); c.43945G>A, p.Glu14649Lys (NM_133378.4); c.24829G>A, p.Glu8277Lys (NM_133432.3); c.25030G>A, p.Glu8344Lys (NM_133437.4); short protein forms E17217K, E14649K, E15576K, E8152K, E8277K, E8344K.
Identifiers: ClinVar variation 404934 (VCV000404934.5), dbSNP rs1060500503, ClinGen allele CA16610479.

ClinVar aggregate classification (germline): Uncertain significance. Review status: criteria provided, multiple submitters, no conflicts (2 of 4 stars). 3 submissions from 3 submitters: Uncertain significance (3). Last evaluated 2024-07-03.

Conditions:
Autosomal recessive limb-girdle muscular dystrophy type 2J (LGMDR10). Also called: MUSCULAR DYSTROPHY, LIMB-GIRDLE, AUTOSOMAL RECESSIVE 10; Limb-girdle muscular dystrophy, type 2J. Identifiers: Orphanet 140922, MedGen C1837342, MONDO:0012127, OMIM 608807.
Dilated cardiomyopathy 1G (CMD1G). Identifiers: Orphanet 154, MedGen C1858763, MONDO:0011400, OMIM 604145.
Myopathy, myofibrillar, 9, with early respiratory failure (MFM9). Also called: Myopathy, distal, with early respiratory failure, autosomal dominant; Hereditary myopathy with early respiratory failure; EDSTROM MYOPATHY; MYOPATHY, PROXIMAL, WITH EARLY RESPIRATORY MUSCLE INVOLVEMENT. Identifiers: Orphanet 178464, Orphanet 34521, MedGen C1863599, MONDO:0011362, OMIM 603689.
Tibial muscular dystrophy (TMD). Also called: UDD MYOPATHY; Tibial muscular dystrophy, tardive; Udd Distal Myopathy – Tibial Muscular Dystrophy. Identifiers: Orphanet 609, MedGen C1838244, MONDO:0010870, OMIM 600334.
Early-onset myopathy with fatal cardiomyopathy (CMYO5). Also called: Salih Myopathy; CONGENITAL MYOPATHY 5 WITH CARDIOMYOPATHY. Identifiers: Orphanet 289377, MedGen C2673677, MONDO:0012714, OMIM 611705. Disease mechanism: loss of function.
Hypertrophic cardiomyopathy 9. Also called: Familial hypertrophic cardiomyopathy 9. Identifiers: MedGen C1861065, MONDO:0013412, OMIM 613765.

Allele frequency attached by ClinVar (database versions not stated): gnomAD exomes 0.00001.
gnomAD v4.1: 5 of 1,612,904 alleles (0.00031%); highest among the groups gnomAD compares: Middle Eastern, 0.017%; no homozygotes.

Submissions (3):

GeneDx
Classification: Uncertain significance. Last evaluated: 2024-07-03. Review status: criteria provided, single submitter. Criteria: GeneDx Variant Classification Process June 2021. Collection method: clinical testing. Allele origin: germline. Affected: yes.
Comment: Not observed at significant frequency in large population cohorts (gnomAD); Missense variant in a gene in which most reported pathogenic variants are truncating/loss of function; Has not been previously published as pathogenic or benign to our knowledge

Fulgent Genetics
Classification: Uncertain significance for Tibial muscular dystrophy; Myopathy, myofibrillar, 9, with early respiratory failure; Dilated cardiomyopathy 1G; Autosomal recessive limb-girdle muscular dystrophy type 2J; Early-onset myopathy with fatal cardiomyopathy; Hypertrophic cardiomyopathy 9. Last evaluated: 2021-11-11. Review status: criteria provided, single submitter. Criteria: ACMG Guidelines, 2015. Collection method: clinical testing. Allele origin: unknown.

Labcorp Genetics (formerly Invitae), Labcorp
Classification: Uncertain significance for Dilated cardiomyopathy 1G; Autosomal recessive limb-girdle muscular dystrophy type 2J. Last evaluated: 2017-10-27. Review status: criteria provided, single submitter. Criteria: Invitae Variant Classification Sherloc (09022015). Collection method: clinical testing. Allele origin: germline.